The following is an entry in ClinVar:

ClinVar aggregate classification (germline): Uncertain significance (1 of 4 stars; one submission).

Submission:

GeneDx
Classification: Uncertain significance. Last evaluated: 2019-07-25. Review status: criteria provided, single submitter. Criteria: GeneDx Variant Classification Process June 2021. Collection method: clinical testing. Allele origin: germline. Affected: yes.
Comment: Not observed in large population cohorts (Lek et al., 2016); In silico analysis, which includes protein predictors and evolutionary conservation, supports a deleterious effect; Has not been previously published as pathogenic or benign to our knowledge

NM_000489.6(ATRX):c.1556C>A (p.Ser519Tyr)

Gene: ATRX (ATRX chromatin remodeler; minus strand). Cytogenetic location: Xq21.1.
Variant type: single nucleotide variant.
Coding change: c.1556C>A on transcript NM_000489.6 (MANE Select); coding-DNA position 1556, C replaced by A.
Protein change: p.Ser519Tyr; replaces serine 519 with tyrosine.
Molecular consequence: missense variant.
Genome position (GRCh38, 1-based): chrX:77,683,700, G>T on the plus strand (C>A on the coding strand, the complement: ATRX is on the minus strand). VCF-style: chrX-77683700-G-T. GRCh37 (hg19) VCF-style: chrX-76939192-G-T.
Other names: c.1442C>A, p.Ser481Tyr (NM_138270.5); short protein forms S481Y, S519Y.
Identifiers: ClinVar variation 1320787 (VCV001320787.2), dbSNP rs2148619839, ClinGen allele CA413717399.